The following is an entry in ClinVar:

NM_000359.3(TGM1):c.1559A>G (p.Glu520Gly)

Gene: TGM1 (transglutaminase 1; minus strand). Cytogenetic location: 14q12.
Variant type: single nucleotide variant.
Coding change: c.1559A>G on transcript NM_000359.3 (MANE Select); coding-DNA position 1559, A replaced by G.
Protein change: p.Glu520Gly; replaces glutamic acid 520 with glycine.
Molecular consequence: missense variant.
Genome position (GRCh38, 1-based): chr14:24,255,450, T>C on the plus strand (A>G on the coding strand, the complement: TGM1 is on the minus strand). VCF-style: chr14-24255450-T-C. GRCh37 (hg19) VCF-style: chr14-24724656-T-C.
Other names: short protein forms E520G.
Identifiers: ClinVar variation 235714 (VCV000235714.51), dbSNP rs142404759, ClinGen allele CA7131051.

ClinVar aggregate classification (germline): Conflicting classifications of pathogenicity. Review status: criteria provided, conflicting classifications (1 of 4 stars). 9 submissions from 9 submitters: Uncertain significance (1); Benign (2); Likely benign (4). 2 of the submissions do not count toward it. Last evaluated 2026-03-01.

Conditions:
TGM1-related disorder. Also called: TGM1-related condition.
Autosomal recessive congenital ichthyosis 1 (LI1). Also called: ICHTHYOSIS CONGENITA; ICHTHYOSIS CONGENITA II; LAMELLAR EXFOLIATION OF NEWBORN; COLLODION FETUS; DESQUAMATION OF NEWBORN; ICHTHYOSIS, CONGENITAL, AUTOSOMAL RECESSIVE 1, WITH BATHING SUIT DISTRIBUTION. Identifiers: MedGen C4551630, MONDO:0009441, OMIM 242300.

Allele frequency attached by ClinVar (database versions not stated): TOPMed 0.00526; gnomAD 0.00536 and 0.00555; ExAC 0.00567; gnomAD exomes 0.00571 and 0.00837; ESP Exome Variant Server 0.00607; 1000 Genomes Project 30x 0.00141; 1000 Genomes Project 0.00160.
gnomAD v4.1: 12,883 of 1,614,004 alleles (0.8%); highest among the groups gnomAD compares: Non-Finnish European, 0.99%; 69 homozygotes.

Submissions (9):

CeGaT Center for Human Genetics Tuebingen
Classification: Likely benign. Last evaluated: 2026-03-01. Review status: criteria provided, single submitter. Criteria: CeGaT Center For Human Genetics Tuebingen Variant Classification Criteria Version 2. Collection method: clinical testing. Allele origin: germline. Affected: yes. Observed: 3 variant alleles.
Comment: TGM1: BP4, BS2

Labcorp Genetics (formerly Invitae), Labcorp
Classification: Benign. Last evaluated: 2026-02-02. Review status: criteria provided, single submitter. Criteria: Invitae Variant Classification Sherloc (09022015). Collection method: clinical testing. Allele origin: germline.

Women's Health and Genetics/Laboratory Corporation of America, LabCorp
Classification: Benign. Last evaluated: 2022-05-21. Review status: criteria provided, single submitter. Criteria: LabCorp Variant Classification Summary - May 2015. Collection method: clinical testing. Allele origin: germline.

GeneDx
Classification: Likely benign. Last evaluated: 2019-01-17. Review status: criteria provided, single submitter. Criteria: GeneDx Variant Classification Process June 2021. Collection method: clinical testing. Allele origin: germline. Affected: yes.
Comment: This variant is associated with the following publications: (PMID: 31642606, 27025581, 11348475, 21228398)

Genomic Research Center, Shahid Beheshti University of Medical Sciences
Classification: Uncertain significance for Autosomal recessive congenital ichthyosis 1. Last evaluated: 2018-08-07. Review status: criteria provided, single submitter. Criteria: ACMG Guidelines, 2015. Collection method: clinical testing. Allele origin: inherited. Affected: no. Observed: 1 variant allele.

Illumina Laboratory Services, Illumina
Classification: Likely benign for Autosomal recessive congenital ichthyosis 1. Last evaluated: 2017-04-27. Review status: criteria provided, single submitter. Criteria: ICSL Variant Classification Criteria 13 December 2019. Collection method: clinical testing. Allele origin: germline.
Comment: This variant was observed as part of a predisposition screen in an ostensibly healthy population. A literature search was performed for the gene, cDNA change, and amino acid change (where applicable). Publications were found based on this search. The evidence from the literature, in combination with allele frequency data from public databases where available, was sufficient to determine this variant is unlikely to cause disease. Therefore, this variant is classified as likely benign.

Center for Pediatric Genomic Medicine, Children's Mercy Hospital and Clinics
Classification: Likely benign. Last evaluated: 2015-12-23. Review status: criteria provided, single submitter. Criteria: ACMG Guidelines, 2015. Collection method: clinical testing. Allele origin: germline.
ClinVar note: Converted during submission from Likely Benign to Likely benign.

Natera, Inc.
Classification: Benign for Autosomal recessive congenital ichthyosis type 1. Last evaluated: 2020-04-17. Review status: no assertion criteria provided. Collection method: clinical testing. Allele origin: germline. Not counted in ClinVar's aggregate classification.

PreventionGenetics, part of Exact Sciences
Classification: Likely benign for TGM1-related condition. Last evaluated: 2019-07-16. Review status: no assertion criteria provided. Collection method: clinical testing. Allele origin: germline. Not counted in ClinVar's aggregate classification.
Comment: This variant is classified as likely benign based on ACMG/AMP sequence variant interpretation guidelines (Richards et al. 2015 PMID: 25741868, with internal and published modifications).

Literature cited by the submitters: PubMed 11348475 (cited by Illumina Laboratory Services, Illumina); PubMed 22511925 (cited by Illumina Laboratory Services, Illumina).